The following is an entry in ClinVar:

NM_001458.5(FLNC):c.3829G>A (p.Ala1277Thr)

Gene: FLNC (filamin C; plus strand). Cytogenetic location: 7q32.1.
Variant type: single nucleotide variant.
Coding change: c.3829G>A on transcript NM_001458.5 (MANE Select); coding-DNA position 3829, G replaced by A.
Protein change: p.Ala1277Thr; replaces alanine 1277 with threonine.
Molecular consequence: missense variant.
Genome position (GRCh38, 1-based): chr7:128,846,028, G>A. VCF-style: chr7-128846028-G-A. GRCh37 (hg19) VCF-style: chr7-128486082-G-A.
Other names: c.3829G>A, p.Ala1277Thr (NM_001127487.2); short protein forms A1277T.
Identifiers: ClinVar variation 944131 (VCV000944131.10), dbSNP rs1808548777, ClinGen allele CA369198450.
Genomic context (GRCh38, chr7:128,846,028, plus strand): 5'-ACACGCCACCCCTGGGCTCCAGGTGTCCTGCGGGAGGTGACCACTGAGTTCACTGTGGAT[G>A]CAAGATCCCTAACAGCCACAGGCGGCAACCACGTGACGGCTCGTGTGCTCAACCCCTCGG-3'
Protein context (NP_001449.3, residues 1267-1287): REVTTEFTVD[Ala1277Thr]RSLTATGGNH

ClinVar aggregate classification (germline): Uncertain significance. Review status: criteria provided, multiple submitters, no conflicts (2 of 4 stars). 2 submissions from 2 submitters: Uncertain significance (2). Last evaluated 2025-06-16.

Conditions:
Myofibrillar myopathy 5. Also called: Filaminopathy (type); FILAMINOPATHY, AUTOSOMAL DOMINANT. Identifiers: Orphanet 171445, MedGen C1836050, MONDO:0012289, OMIM 609524.
Distal myopathy with posterior leg and anterior hand involvement. Also called: WILLIAMS DISTAL MYOPATHY. Identifiers: Orphanet 63273, MedGen C3279722, MONDO:0013550, OMIM 614065.
Hypertrophic cardiomyopathy 26. Also called: Cardiomyopathy, familial hypertrophic, 26. Identifiers: Orphanet 75249, MedGen C4310749, MONDO:0014883, OMIM 617047.
Dilated Cardiomyopathy, Dominant.

Submissions (2):

GeneDx
Classification: Uncertain significance. Last evaluated: 2025-06-16. Review status: criteria provided, single submitter. Criteria: GeneDx Variant Classification Process June 2021. Collection method: clinical testing. Allele origin: germline. Affected: yes.
Comment: Not observed at significant frequency in large population cohorts (gnomAD); In silico analysis supports that this missense variant has a deleterious effect on protein structure/function

Labcorp Genetics (formerly Invitae), Labcorp
Classification: Uncertain significance for Distal myopathy with posterior leg and anterior hand involvement; Myofibrillar myopathy 5; Hypertrophic cardiomyopathy 26. Last evaluated: 2023-07-31. Review status: criteria provided, single submitter. Criteria: Invitae Variant Classification Sherloc (09022015). Collection method: clinical testing. Allele origin: germline.
Comment: In summary, the available evidence is currently insufficient to determine the role of this variant in disease. Therefore, it has been classified as a Variant of Uncertain Significance. Advanced modeling of protein sequence and biophysical properties (such as structural, functional, and spatial information, amino acid conservation, physicochemical variation, residue mobility, and thermodynamic stability) has been performed at Invitae for this missense variant, however the output from this modeling did not meet the statistical confidence thresholds required to predict the impact of this variant on FLNC protein function. ClinVar contains an entry for this variant (Variation ID: 944131). This variant has not been reported in the literature in individuals affected with FLNC-related conditions. This variant is not present in population databases (gnomAD no frequency). This sequence change replaces alanine, which is neutral and non-polar, with threonine, which is neutral and polar, at codon 1277 of the FLNC protein (p.Ala1277Thr).